The following is an entry in ClinVar:

ClinVar aggregate classification (germline): Uncertain significance. Review status: criteria provided, multiple submitters, no conflicts (2 of 4 stars). 4 submissions from 4 submitters: Uncertain significance (4). Last evaluated 2024-11-05.

Conditions:
Hereditary cancer-predisposing syndrome. Also called: Neoplastic Syndromes, Hereditary; Hereditary Cancer Syndrome; Hereditary neoplastic syndrome; Tumor predisposition. Identifiers: Orphanet 140162, MedGen C0027672, MeSH D009386, MONDO:0015356.
Hereditary breast ovarian cancer syndrome. Also called: Hereditary breast and ovarian cancer syndrome; Hereditary breast and/or ovarian cancer syndrome; BRCA1- and BRCA2-Associated Hereditary Breast and Ovarian Cancer; Hereditary breast and ovarian cancer; Breast and ovarian cancer; Hereditary breast and ovarian cancer syndrome (HBOC). Identifiers: Orphanet 145, MedGen C0677776, MeSH D061325, MONDO:0003582. Disease mechanism: loss of function.
Breast-ovarian cancer, familial, susceptibility to, 2 (BROVCA2). Also called: BRCA2 Hereditary Breast and Ovarian Cancer. Identifiers: Orphanet 145, MedGen C2675520, MONDO:0012933, OMIM 612555. Disease mechanism: loss of function.

Allele frequency attached by ClinVar (database versions not stated): TOPMed below 0.00001.

Submissions (4):

Color Diagnostics, LLC DBA Color Health
Classification: Uncertain significance for Hereditary cancer-predisposing syndrome. Last evaluated: 2024-11-05. Review status: criteria provided, single submitter. Criteria: ACMG Guidelines, 2015. Collection method: clinical testing. Allele origin: germline.
Comment: This missense variant replaces threonine with alanine at codon 2403 of the BRCA2 protein. Computational prediction suggests that this variant may not impact protein structure and function. To our knowledge, functional studies have not been reported for this variant. This variant has been reported in one individual each affected with breast or pancreatic cancer (PMID: 25479140, 30199306). A multifactorial analysis has reported a likelihood ratio for pathogenicity based on personal and family history of 0.954 for 1 carrier (PMID: 31853058). This variant has not been identified in the general population by the Genome Aggregation Database (gnomAD). The available evidence is insufficient to determine the role of this variant in disease conclusively. Therefore, this variant is classified as a Variant of Uncertain Significance.

Ambry Genetics
Classification: Uncertain significance for Hereditary cancer-predisposing syndrome. Last evaluated: 2024-10-31. Review status: criteria provided, single submitter. Criteria: Ambry Variant Classification Scheme 2023. Collection method: clinical testing. Allele origin: germline.
Comment: The p.T2403A variant (also known as c.7207A>G), located in coding exon 13 of the BRCA2 gene, results from an A to G substitution at nucleotide position 7207. The threonine at codon 2403 is replaced by alanine, an amino acid with similar properties. This variant was observed in 1/310 high risk breast cancer patients ascertained from a Saudi Arabian hospital (Abulkhair O et al. J Glob Oncol, 2018 Aug;4:1-9). This variant was identified in an individual from a cohort of 290 pancreatic ductal adenocarcinoma patients undergoing germline genetic testing (Grant RC et al. Gastroenterology, 2015 Mar;148:556-64). This amino acid position is not well conserved in available vertebrate species. In addition, this alteration is predicted to be tolerated by in silico analysis. Based on the available evidence, the clinical significance of this variant remains unclear.

Labcorp Genetics (formerly Invitae), Labcorp
Classification: Uncertain significance for Hereditary breast ovarian cancer syndrome. Last evaluated: 2024-08-13. Review status: criteria provided, single submitter. Criteria: Invitae Variant Classification Sherloc (09022015). Collection method: clinical testing. Allele origin: germline.
Comment: This sequence change replaces threonine, which is neutral and polar, with alanine, which is neutral and non-polar, at codon 2403 of the BRCA2 protein (p.Thr2403Ala). This variant is not present in population databases (gnomAD no frequency). This missense change has been observed in individual(s) with breast cancer (PMID: 30199306). ClinVar contains an entry for this variant (Variation ID: 141461). Advanced modeling of protein sequence and biophysical properties (such as structural, functional, and spatial information, amino acid conservation, physicochemical variation, residue mobility, and thermodynamic stability) performed at Invitae indicates that this missense variant is not expected to disrupt BRCA2 protein function with a negative predictive value of 95%. In summary, the available evidence is currently insufficient to determine the role of this variant in disease. Therefore, it has been classified as a Variant of Uncertain Significance.

All of Us Research Program, National Institutes of Health
Classification: Uncertain significance for Breast-ovarian cancer, familial, susceptibility to, 2. Last evaluated: 2024-01-11. Review status: criteria provided, single submitter. Criteria: ACMG Guidelines, 2015. Collection method: clinical testing. Allele origin: germline. Inheritance: Autosomal dominant inheritance. Observed: 1 variant allele, 1 heterozygote.
Comment: This study involves interpretation of variants in research participants for the purpose of population health screening. Participant phenotype was not available at the time of variant classification. Additional details can be found in publication PMID: 35346344, PMCID: PMC8962531

Literature cited by the submitters: PubMed 25479140 (cited by Color Diagnostics, LLC DBA Color Health and Ambry Genetics); PubMed 30199306 (cited by 3 submitters); PubMed 31853058 (cited by Color Diagnostics, LLC DBA Color Health).

NM_000059.4(BRCA2):c.7207A>G (p.Thr2403Ala)

Gene: BRCA2 (BRCA2 DNA repair associated; plus strand). Cytogenetic location: 13q13.1.
Variant type: single nucleotide variant.
Coding change: c.7207A>G on transcript NM_000059.4 (MANE Select); coding-DNA position 7207, A replaced by G.
Protein change: p.Thr2403Ala; replaces threonine 2403 with alanine.
Molecular consequence: missense variant.
Genome position (GRCh38, 1-based): chr13:32,355,060, A>G. VCF-style: chr13-32355060-A-G. GRCh37 (hg19) VCF-style: chr13-32929197-A-G.
Other names: short protein forms T2403A.
Identifiers: ClinVar variation 141461 (VCV000141461.21), dbSNP rs587781764, ClinGen allele CA024960.
Genomic context (GRCh38, chr13:32,355,060, plus strand): 5'-TATCAAGTTTCTGCTACAAGAAATGAAAAAATGAGACACTTGATTACTACAGGCAGACCA[A>G]CCAAAGTCTTTGTTCCACCTTTTAAAACTAAATCACATTTTCACAGAGTTGAACAGTGTG-3'
Protein context (NP_000050.3, residues 2393-2413): MRHLITTGRP[Thr2403Ala]KVFVPPFKTK